The following is an entry in ClinVar:

ClinVar aggregate classification (germline): Conflicting classifications of pathogenicity. Review status: criteria provided, conflicting classifications (1 of 4 stars). 11 submissions from 11 submitters: Uncertain significance (6); Benign (1); Likely benign (4). Last evaluated 2026-06-23.

Conditions:
SOS1-related disorder. Also called: SOS1-related condition.
Cardiovascular phenotype. Identifiers: MedGen CN230736.
RASopathy. Also called: rasopathies; Noonan spectrum disorder. Identifiers: Orphanet 536391, MedGen C5555857, MONDO:0021060.
Noonan syndrome 1 (NS1). Also called: FEMALE PSEUDO-TURNER SYNDROME; TURNER PHENOTYPE WITH NORMAL KARYOTYPE; PTPN11-Related Noonan Syndrome. Identifiers: Orphanet 648, MedGen C4551602, MONDO:0008104, OMIM 163950. Disease mechanism: gain of function.
Noonan syndrome 4 (NS4). Also called: NOONAN SYNDROME WITH PIGMENTED VILLONODULAR SYNOVITIS; SOS1-Related Noonan Syndrome. Identifiers: Orphanet 648, MedGen C1853120, MONDO:0012547, OMIM 610733.
Ventricular tachycardia. Identifiers: MedGen C0042514, MONDO:0005477, HP:0004756.

Allele frequency attached by ClinVar (database versions not stated): gnomAD 0.00017 and 0.00019; TOPMed 0.00011; ExAC 0.00012; gnomAD exomes 0.00012; ESP Exome Variant Server 0.00015.
gnomAD v4.1: 207 of 1,612,396 alleles (0.013%); highest among the groups gnomAD compares: Non-Finnish European, 0.016%; no homozygotes.

Submissions (11):

PreventionGenetics, part of Exact Sciences
Classification: Likely benign for SOS1-related condition. Last evaluated: 2026-06-23. Review status: criteria provided, single submitter. Criteria: ACMG Guidelines, 2015. Collection method: clinical testing. Allele origin: germline.
Comment: This variant is classified as likely benign based on ACMG/AMP sequence variant interpretation guidelines (Richards et al. 2015 PMID: 25741868, with internal and published modifications).

CeGaT Center for Human Genetics Tuebingen
Classification: Uncertain significance. Last evaluated: 2026-04-01. Review status: criteria provided, single submitter. Criteria: CeGaT Center For Human Genetics Tuebingen Variant Classification Criteria Version 2. Collection method: clinical testing. Allele origin: germline. Affected: yes. Observed: 3 variant alleles.
Comment: SOS1: PP3

Labcorp Genetics (formerly Invitae), Labcorp
Classification: Uncertain significance for RASopathy. Last evaluated: 2026-01-27. Review status: criteria provided, single submitter. Criteria: Invitae Variant Classification Sherloc (09022015). Collection method: clinical testing. Allele origin: germline.
Comment: This sequence change replaces phenylalanine, which is neutral and non-polar, with cysteine, which is neutral and slightly polar, at codon 78 of the SOS1 protein (p.Phe78Cys). This variant is present in population databases (rs201352584, gnomAD 0.03%), and has an allele count higher than expected for a pathogenic variant. This missense change has been observed in individual(s) with SOS1-related conditions (PMID: 17586837). ClinVar contains an entry for this variant (Variation ID: 40646). Invitae Evidence Modeling of protein sequence and biophysical properties (such as structural, functional, and spatial information, amino acid conservation, physicochemical variation, residue mobility, and thermodynamic stability) indicates that this missense variant is expected to disrupt SOS1 protein function with a positive predictive value of 95%. In summary, the available evidence is currently insufficient to determine the role of this variant in disease. Therefore, it has been classified as a Variant of Uncertain Significance.

Laboratory of Genetics, Children's Clinical University Hospital Latvia
Classification: Likely benign. Last evaluated: 2025-02-16. Review status: criteria provided, single submitter. Criteria: ACMG Guidelines, 2015. Collection method: clinical testing. Allele origin: germline. Affected: yes.

Blueprint Genetics
Classification: Likely benign. Last evaluated: 2024-08-30. Review status: criteria provided, single submitter. Criteria: ACMG Guidelines, 2015. Collection method: clinical testing. Allele origin: germline.

Ambry Genetics
Classification: Likely benign for Cardiovascular phenotype. Last evaluated: 2022-06-21. Review status: criteria provided, single submitter. Criteria: Ambry Variant Classification Scheme 2023. Collection method: clinical testing. Allele origin: germline.

New York Genome Center
Classification: Uncertain significance for Noonan syndrome 4. Last evaluated: 2021-12-01. Review status: criteria provided, single submitter. Criteria: NYGC Assertion Criteria 2020. Collection method: clinical testing. Allele origin: inherited. Observed: 1 heterozygote. Study: CSER-NYCKidSeq.
Comment: The c.233T>G (p.Phe78Cys) variant identified in the SOS1 gene substitues a Phenylalnine for Cysteine at amino acid 78/1334 (coding exon 2/23). It is identified in gnomAD (44 heterozygotes, 0 homozygotes; allele frequency 1.56e-4) and ExAC (15 heterozygotes, 0 homozygotes; allele frequency: 1.24e-4. In silico algorithms predict this variant will be Deleterious (Provean; Score: -7.01) and Damaging (SIFT;Score: 0.00) to the function of the canonical transcript. The c.233T>G (p.Phe78Cys) variant is reported in ClinVar as a Variant of Uncertain Significance (VarID:40646), and has been described in two individuals in the literature who met clinical criteriafor Noonan syndrome [doi:10.4183/aeb.2014.463; PMID: 17586837], one of which was inherited from a presumably unaffected parent [PMID: 17586837]. Given the lack of compelling information supporting the pathogenicity of the c.233T>G (p.Phe78Cys) variant identified in this indivudal, it is reported here as a Variant of Uncertain Significance.

Mendelics
Classification: Uncertain significance for Noonan syndrome 1. Last evaluated: 2019-05-28. Review status: criteria provided, single submitter. Criteria: Mendelics Assertion Criteria 2017. Collection method: clinical testing. Allele origin: unknown.

Center for Advanced Laboratory Medicine, UC San Diego Health, University of California San Diego
Classification: Uncertain significance for Ventricular tachycardia. Last evaluated: 2019-01-31. Review status: criteria provided, single submitter. Criteria: ACMG Guidelines, 2015. Collection method: clinical testing. Allele origin: germline. Affected: yes. Observed: 1 variant allele.

GeneDx
Classification: Benign. Last evaluated: 2018-09-24. Review status: criteria provided, single submitter. Criteria: GeneDx Variant Classification Process June 2021. Collection method: clinical testing. Allele origin: germline. Affected: yes.
Comment: This variant is associated with the following publications: (PMID: 24939586, 17586837, 21387466)

Center for Pediatric Genomic Medicine, Children's Mercy Hospital and Clinics
Classification: Uncertain significance. Last evaluated: 2017-05-30. Review status: criteria provided, single submitter. Criteria: ACMG Guidelines, 2015. Collection method: clinical testing. Allele origin: germline.

Literature cited by the submitters: PubMed 17586837 (cited by Labcorp Genetics (formerly Invitae), Labcorp and Ambry Genetics); PubMed 21387466 (cited by Ambry Genetics); PubMed 24939586 (cited by Ambry Genetics).

NM_005633.4(SOS1):c.233T>G (p.Phe78Cys)

Gene: SOS1 (SOS Ras/Rac guanine nucleotide exchange factor 1; minus strand). Cytogenetic location: 2p22.1.
Variant type: single nucleotide variant.
Coding change: c.233T>G on transcript NM_005633.4 (MANE Select); coding-DNA position 233, T replaced by G.
Protein change: p.Phe78Cys; replaces phenylalanine 78 with cysteine.
Molecular consequence: missense variant.
Genome position (GRCh38, 1-based): chr2:39,058,785, A>C on the plus strand (T>G on the coding strand, the complement: SOS1 is on the minus strand). VCF-style: chr2-39058785-A-C. GRCh37 (hg19) VCF-style: chr2-39285926-A-C.
Other names: p.F78C:TTC>TGC; c.212T>G, p.Phe71Cys (NM_001382394.1); c.233T>G, p.Phe78Cys (NM_001382395.1); short protein forms F78C, F71C.
Identifiers: ClinVar variation 40646 (VCV000040646.44), dbSNP rs201352584, ClinGen allele CA297244.